The following is an entry in ClinVar:

ClinVar aggregate classification (germline): Uncertain significance (1 of 4 stars; one submission).

Conditions:
Spastic ataxia 2. Also called: Ataxia, spastic, 2, autosomal recessive. Identifiers: Orphanet 397946, MedGen C1969796, MONDO:0012651, OMIM 611302.

Allele frequency attached by ClinVar (database versions not stated): gnomAD 0.00001.
gnomAD v4.1: 3 of 1,602,466 alleles (0.00019%); highest among the groups gnomAD compares: South Asian, 0.0033%; no homozygotes.

Submission:

Baylor Genetics
Classification: Uncertain significance for Spastic ataxia 2. Last evaluated: 2018-02-21. Review status: criteria provided, single submitter. Criteria: ACMG Guidelines, 2015. Collection method: clinical testing. Allele origin: maternal. Affected: yes.
Comment: This variant was determined to be of uncertain significance according to ACMG Guidelines, 2015 [PMID:25741868].

NM_006612.6(KIF1C):c.3236C>A (p.Pro1079His)

Gene: KIF1C (kinesin family member 1C; plus strand). Cytogenetic location: 17p13.2.
Variant type: single nucleotide variant.
Coding change: c.3236C>A on transcript NM_006612.6 (MANE Select); coding-DNA position 3236, C replaced by A.
Protein change: p.Pro1079His; replaces proline 1079 with histidine.
Molecular consequence: missense variant.
Genome position (GRCh38, 1-based): chr17:5,024,075, C>A. VCF-style: chr17-5024075-C-A. GRCh37 (hg19) VCF-style: chr17-4927370-C-A.
Other names: short protein forms P1079H.
Identifiers: ClinVar variation 1032468 (VCV001032468.1), dbSNP rs1975155981, ClinGen allele CA397320498.